The following is an entry in ClinVar:

ClinVar aggregate classification (germline): Uncertain significance. Review status: criteria provided, multiple submitters, no conflicts (2 of 4 stars). 2 submissions from 2 submitters: Uncertain significance (2). Last evaluated 2025-04-30.

Conditions:
Inborn genetic diseases. Identifiers: MedGen C0950123, MeSH D030342.

Allele frequency attached by ClinVar (database versions not stated): gnomAD exomes 0.00002.
gnomAD v4.1: 29 of 1,613,060 alleles (0.0018%); highest among the groups gnomAD compares: Non-Finnish European, 0.0025%; no homozygotes.

Submissions (2):

Ambry Genetics
Classification: Uncertain significance for Inborn genetic diseases. Last evaluated: 2025-04-30. Review status: criteria provided, single submitter. Criteria: Ambry Variant Classification Scheme 2023. Collection method: clinical testing. Allele origin: germline.

Labcorp Genetics (formerly Invitae), Labcorp
Classification: Uncertain significance. Last evaluated: 2023-12-11. Review status: criteria provided, single submitter. Criteria: Invitae Variant Classification Sherloc (09022015). Collection method: clinical testing. Allele origin: germline.
Comment: This sequence change replaces tyrosine, which is neutral and polar, with cysteine, which is neutral and slightly polar, at codon 406 of the EMC1 protein (p.Tyr406Cys). This variant is present in population databases (no rsID available, gnomAD 0.0009%). This variant has not been reported in the literature in individuals affected with EMC1-related conditions. Advanced modeling of protein sequence and biophysical properties (such as structural, functional, and spatial information, amino acid conservation, physicochemical variation, residue mobility, and thermodynamic stability) performed at Invitae indicates that this missense variant is not expected to disrupt EMC1 protein function with a negative predictive value of 80%. In summary, the available evidence is currently insufficient to determine the role of this variant in disease. Therefore, it has been classified as a Variant of Uncertain Significance.

NM_015047.3(EMC1):c.1217A>G (p.Tyr406Cys)

Genes: EMC1 (ER membrane protein complex subunit 1; minus strand), EMC1-AS1 (EMC1 antisense RNA 1; plus strand). Cytogenetic location: 1p36.13.
Variant type: single nucleotide variant.
Coding change: c.1217A>G on transcript NM_015047.3 (MANE Select); coding-DNA position 1217, A replaced by G.
Protein change: p.Tyr406Cys; replaces tyrosine 406 with cysteine.
Molecular consequence: missense variant.
Genome position (GRCh38, 1-based): chr1:19,237,234, T>C on the plus strand (A>G on the coding strand, the complement: EMC1 is on the minus strand). VCF-style: chr1-19237234-T-C. GRCh37 (hg19) VCF-style: chr1-19563728-T-C.
Other names: c.1214A>G, p.Tyr405Cys (NM_001271427.2, NM_001375821.1); c.1217A>G, p.Tyr406Cys (NM_001271428.2, NM_001375820.1); c.1151A>G, p.Tyr384Cys (NM_001271429.2); c.1217A>G (NM_015047.1); short protein forms Y405C, Y406C, Y384C.
Identifiers: ClinVar variation 2982181 (VCV002982181.4), dbSNP rs1295283330, ClinGen allele CA338765905.